The following is an entry in ClinVar:

ClinVar aggregate classification (germline): Uncertain significance. Review status: criteria provided, multiple submitters, no conflicts (2 of 4 stars). 3 submissions from 3 submitters: Uncertain significance (3). Last evaluated 2022-11-29.

Conditions:
Idiopathic generalized epilepsy. Also called: EIG; Generalised epilepsy. Identifiers: MedGen C0270850, MONDO:0005579, OMIM 600669.
Episodic ataxia type 5. Identifiers: Orphanet 211067, MedGen C1866039, MONDO:0013464, OMIM 613855.

Allele frequency attached by ClinVar (database versions not stated): gnomAD exomes 0.00001 and 0.00002; TOPMed 0.00003; gnomAD 0.00004.
gnomAD v4.1: 36 of 1,530,542 alleles (0.0024%); highest among the groups gnomAD compares: Admixed American, 0.009%; no homozygotes.

Submissions (3):

Labcorp Genetics (formerly Invitae), Labcorp
Classification: Uncertain significance for Idiopathic generalized epilepsy. Last evaluated: 2022-11-29. Review status: criteria provided, single submitter. Criteria: Invitae Variant Classification Sherloc (09022015). Collection method: clinical testing. Allele origin: germline.
Comment: In summary, the available evidence is currently insufficient to determine the role of this variant in disease. Therefore, it has been classified as a Variant of Uncertain Significance. Algorithms developed to predict the effect of missense changes on protein structure and function (SIFT, PolyPhen-2, Align-GVGD) all suggest that this variant is likely to be tolerated. ClinVar contains an entry for this variant (Variation ID: 446971). This variant has not been reported in the literature in individuals affected with CACNB4-related conditions. The frequency data for this variant in the population databases is considered unreliable, as metrics indicate poor data quality at this position in the gnomAD database. This sequence change replaces alanine, which is neutral and non-polar, with serine, which is neutral and polar, at codon 12 of the CACNB4 protein (p.Ala12Ser).

Illumina Laboratory Services, Illumina
Classification: Uncertain significance for Episodic ataxia type 5. Last evaluated: 2018-01-13. Review status: criteria provided, single submitter. Criteria: ICSL Variant Classification Criteria 13 December 2019. Collection method: clinical testing. Allele origin: germline.

Athena Diagnostics
Classification: Uncertain significance. Last evaluated: 2017-07-21. Review status: criteria provided, single submitter. Criteria: Athena Diagnostics Criteria. Collection method: clinical testing. Allele origin: germline.

NM_000726.5(CACNB4):c.34G>T (p.Ala12Ser)

Genes: CACNB4 (calcium voltage-gated channel auxiliary subunit beta 4; minus strand), LOC129934925 (ATAC-STARR-seq lymphoblastoid silent region 12010; plus strand). Cytogenetic location: 2q23.3.
Variant type: single nucleotide variant.
Coding change: c.34G>T on transcript NM_000726.5 (MANE Select); coding-DNA position 34, G replaced by T.
Protein change: p.Ala12Ser; replaces alanine 12 with serine.
Molecular consequence: missense variant.
Genome position (GRCh38, 1-based): chr2:152,098,978, C>A on the plus strand (G>T on the coding strand, the complement: CACNB4 is on the minus strand). VCF-style: chr2-152098978-C-A. GRCh37 (hg19) VCF-style: chr2-152955492-C-A.
Other names: c.34G>T, p.Ala12Ser (NM_001145798.3); short protein forms A12S.
Identifiers: ClinVar variation 446971 (VCV000446971.14), dbSNP rs958254778, ClinGen allele CA57713818.
Genomic context (GRCh38, chr2:152,098,978, plus strand): 5'-GAAGAGGAGAAGGGGGAGGAGGGGGCGGTACCTGCGAGGTGGGGGAGTGCGGCCCGTCCG[C>A]GGTCCCGTTCTTGGCGTAGGAGGAGGAGGACATCGTTCAGAGCCGCCGCATGGCCAGCCC-3'
Protein context (NP_000717.2, residues 2-22): SSSSYAKNGT[Ala12Ser]DGPHSPTSQV